The following is an entry in ClinVar:

ClinVar aggregate classification (germline): Uncertain significance. Review status: criteria provided, multiple submitters, no conflicts (2 of 4 stars). 5 submissions from 5 submitters: Uncertain significance (5). Last evaluated 2025-05-23.

Conditions:
Familial thoracic aortic aneurysm and aortic dissection (TAAD). Also called: Thoracic aortic aneurysms and dissections. Identifiers: Orphanet 91387, MedGen C4707243, MONDO:0019625.
Ehlers-Danlos syndrome, type 4 (EDSVASC). Also called: Ehlers-Danlos syndrome vascular type; Ehlers Danlos syndrome, ecchymotic type; Ehlers Danlos syndrome, arterial type; Ehlers Danlos syndrome, Sack-Barabas type; Ehlers-Danlos Syndrome Type IV. Identifiers: Orphanet 286, MedGen C0268338, MONDO:0017314, OMIM 130050.
Polymicrogyria with or without vascular-type Ehlers-Danlos syndrome. Identifiers: Orphanet 636941, MedGen C5193040, MONDO:0032688, OMIM 618343.

Submissions (5):

Women's Health and Genetics/Laboratory Corporation of America, LabCorp
Classification: Uncertain significance. Last evaluated: 2025-05-23. Review status: criteria provided, single submitter. Criteria: LabCorp Variant Classification Summary - May 2015. Collection method: clinical testing. Allele origin: germline.
Comment: Variant summary: COL3A1 c.553C>G (p.Pro185Ala) results in a non-conservative amino acid change in the encoded protein sequence. Algorithms developed to predict the effect of missense changes on protein structure and function all suggest that this variant is likely to be disruptive. The variant was absent in 250956 control chromosomes (gnomAD). The available data on variant occurrences in the general population are insufficient to allow any conclusion about variant significance. To our knowledge, no occurrence of c.553C>G in individuals affected with Aortopathy and no experimental evidence demonstrating its impact on protein function have been reported. ClinVar contains an entry for this variant (Variation ID: 969848). Based on the evidence outlined above, the variant was classified as uncertain significance.

Labcorp Genetics (formerly Invitae), Labcorp
Classification: Uncertain significance for Ehlers-Danlos syndrome, type 4. Last evaluated: 2024-11-14. Review status: criteria provided, single submitter. Criteria: Invitae Variant Classification Sherloc (09022015). Collection method: clinical testing. Allele origin: germline.
Comment: This sequence change replaces proline, which is neutral and non-polar, with alanine, which is neutral and non-polar, at codon 185 of the COL3A1 protein (p.Pro185Ala). This variant is not present in population databases (gnomAD no frequency). This missense change has been observed in individual(s) with COL3A1-related conditions (internal data). ClinVar contains an entry for this variant (Variation ID: 969848). Invitae Evidence Modeling of protein sequence and biophysical properties (such as structural, functional, and spatial information, amino acid conservation, physicochemical variation, residue mobility, and thermodynamic stability) indicates that this missense variant is not expected to disrupt COL3A1 protein function with a negative predictive value of 95%. In summary, the available evidence is currently insufficient to determine the role of this variant in disease. Therefore, it has been classified as a Variant of Uncertain Significance.

Color Diagnostics, LLC DBA Color Health
Classification: Uncertain significance for Familial thoracic aortic aneurysm and aortic dissection. Last evaluated: 2024-02-04. Review status: criteria provided, single submitter. Criteria: ACMG Guidelines, 2015. Collection method: clinical testing. Allele origin: germline.
Comment: This missense variant replaces proline with alanine at codon 185 of the COL3A1 protein. Computational prediction suggests that this variant may not impact protein structure and function (internally defined REVEL score threshold <= 0.5, PMID: 27666373). To our knowledge, functional studies have not been reported for this variant. This variant has not been reported in individuals affected with COL3A1-related disorders in the literature. This variant has not been identified in the general population by the Genome Aggregation Database (gnomAD). The available evidence is insufficient to determine the role of this variant in disease conclusively. Therefore, this variant is classified as a Variant of Uncertain Significance.

All of Us Research Program, National Institutes of Health
Classification: Uncertain significance for Ehlers-Danlos syndrome, type 4. Last evaluated: 2023-04-27. Review status: criteria provided, single submitter. Criteria: ACMG Guidelines, 2015. Collection method: clinical testing. Allele origin: germline. Inheritance: Autosomal dominant inheritance. Observed: 1 variant allele, 1 heterozygote.
Comment: This study involves interpretation of variants in research participants for the purpose of population health screening. Participant phenotype was not available at the time of variant classification. Additional details can be found in publication PMID: 35346344, PMCID: PMC8962531

Baylor Genetics
Classification: Uncertain significance for Polymicrogyria with or without vascular-type Ehlers-Danlos syndrome. Last evaluated: 2019-10-28. Review status: criteria provided, single submitter. Criteria: ACMG Guidelines, 2015. Collection method: clinical testing. Allele origin: unknown. Affected: yes.
Comment: This variant was determined to be of uncertain significance according to ACMG Guidelines, 2015 [PMID:25741868].

NM_000090.4(COL3A1):c.553C>G (p.Pro185Ala)

Gene: COL3A1 (collagen type III alpha 1 chain; plus strand). Cytogenetic location: 2q32.2.
Variant type: single nucleotide variant.
Coding change: c.553C>G on transcript NM_000090.4 (MANE Select); coding-DNA position 553, C replaced by G.
Protein change: p.Pro185Ala; replaces proline 185 with alanine.
Molecular consequence: missense variant.
Genome position (GRCh38, 1-based): chr2:188,988,105, C>G. VCF-style: chr2-188988105-C-G. GRCh37 (hg19) VCF-style: chr2-189852831-C-G.
Other names: short protein forms P185A.
Identifiers: ClinVar variation 969848 (VCV000969848.14), dbSNP rs1688100904, ClinGen allele CA349848249.